The following is an entry in ClinVar:

NM_003924.4(PHOX2B):c.734C>A (p.Ala245Glu)

Genes: PHOX2B (paired like homeobox 2B; minus strand), LOC110011216 (paired like homeobox 2b polyalanine repeat instability region; plus strand). Cytogenetic location: 4p13.
Variant type: single nucleotide variant.
Coding change: c.734C>A on transcript NM_003924.4 (MANE Select); coding-DNA position 734, C replaced by A.
Protein change: p.Ala245Glu; replaces alanine 245 with glutamic acid.
Molecular consequence: missense variant.
Genome position (GRCh38, 1-based): chr4:41,746,018, G>T on the plus strand (C>A on the coding strand, the complement: PHOX2B is on the minus strand). VCF-style: chr4-41746018-G-T. GRCh37 (hg19) VCF-style: chr4-41748035-G-T.
Other names: short protein forms A245E.
Identifiers: ClinVar variation 5026575 (VCV005026575.1).

ClinVar aggregate classification (germline): Uncertain significance (1 of 4 stars; one submission).

Conditions:
Hereditary cancer-predisposing syndrome. Also called: Neoplastic Syndromes, Hereditary; Tumor predisposition; Hereditary neoplastic syndrome; Hereditary Cancer Syndrome. Identifiers: Orphanet 140162, MedGen C0027672, MeSH D009386, MONDO:0015356.

gnomAD v4.1: 1 of 1,153,208 alleles (0.000087%); highest among the groups gnomAD compares: African/African-American, 0.0016%; no homozygotes.

Submission:

Ambry Genetics
Classification: Uncertain significance for Hereditary cancer-predisposing syndrome. Last evaluated: 2026-07-06. Review status: criteria provided, single submitter. Criteria: Ambry Variant Classification Scheme 2023. Collection method: clinical testing. Allele origin: germline.
Comment: The p.A245E variant (also known as c.734C>A), located in coding exon 3 of the PHOX2B gene, results from a C to A substitution at nucleotide position 734. The alanine at codon 245 is replaced by glutamic acid, an amino acid with dissimilar properties. This amino acid position is conserved. In addition, this alteration is predicted to be tolerated by in silico analysis. Based on the available evidence, the clinical significance of this variant remains unclear.